The following is an entry in ClinVar:

NM_001127649.3(PEX26):c.393G>A (p.Met131Ile)

Gene: PEX26 (peroxisomal biogenesis factor 26; plus strand). Cytogenetic location: 22q11.21.
Variant type: single nucleotide variant.
Coding change: c.393G>A on transcript NM_001127649.3 (MANE Select); coding-DNA position 393, G replaced by A.
Protein change: p.Met131Ile; replaces methionine 131 with isoleucine.
Molecular consequence: missense variant.
Genome position (GRCh38, 1-based): chr22:18,083,458, G>A. VCF-style: chr22-18083458-G-A. GRCh37 (hg19) VCF-style: chr22-18566224-G-A.
Other names: c.393G>A, p.Met131Ile (NM_001199319.2, NM_017929.6); short protein forms M131I.
Identifiers: ClinVar variation 1714306 (VCV001714306.5), dbSNP rs1926702192, ClinGen allele CA410267151.

ClinVar aggregate classification (germline): Uncertain significance (1 of 4 stars; one submission).

Conditions:
Peroxisome biogenesis disorder 7A (Zellweger). Also called: Peroxisome biogenesis disorder 7A. Identifiers: Orphanet 912, MedGen C3888385, MONDO:0013938, OMIM 614872.
Peroxisome biogenesis disorder 7B (PBD7B). Identifiers: Orphanet 44, MedGen C3553951, MONDO:0013939, OMIM 614873.

Submission:

Labcorp Genetics (formerly Invitae), Labcorp
Classification: Uncertain significance for Peroxisome biogenesis disorder 7A (Zellweger); Peroxisome biogenesis disorder 7B. Last evaluated: 2022-07-30. Review status: criteria provided, single submitter. Criteria: Invitae Variant Classification Sherloc (09022015). Collection method: clinical testing. Allele origin: germline.
Comment: This sequence change replaces methionine, which is neutral and non-polar, with isoleucine, which is neutral and non-polar, at codon 131 of the PEX26 protein (p.Met131Ile). This variant is not present in population databases (gnomAD no frequency). This variant has not been reported in the literature in individuals affected with PEX26-related conditions. Algorithms developed to predict the effect of missense changes on protein structure and function are either unavailable or do not agree on the potential impact of this missense change (SIFT: "Tolerated"; PolyPhen-2: "Possibly Damaging"; Align-GVGD: "Class C0"). In summary, the available evidence is currently insufficient to determine the role of this variant in disease. Therefore, it has been classified as a Variant of Uncertain Significance.